The following is an entry in ClinVar:

ClinVar aggregate classification (germline): Likely pathogenic (1 of 4 stars; one submission).

Allele frequency attached by ClinVar (database versions not stated): gnomAD exomes below 0.00001.

Submission:

GeneDx
Classification: Likely pathogenic. Last evaluated: 2017-04-12. Review status: criteria provided, single submitter. Criteria: GeneDx Variant Classification (06012015). Collection method: clinical testing. Allele origin: germline. Affected: yes.
Comment: The A213T variant in the PYCR1 gene has not been reported previously as a pathogenic variant, nor as a benign variant, to our knowledge. The A213T variant is not observed in large population cohorts (Lek et al., 2016; 1000 Genomes Consortium et al., 2015; Exome Variant Server). The A213T variant is a non-conservative amino acid substitution, which is likely to impact secondary protein structure as these residues differ in polarity, charge, size and/or other properties. This substitution occurs at a position that is conserved across species. In silico analysis predicts this variant is probably damaging to the protein structure/function. We interpret A213T as a likely pathogenic variant.

NM_006907.4(PYCR1):c.637G>A (p.Ala213Thr)

Gene: PYCR1 (pyrroline-5-carboxylate reductase 1; minus strand). Cytogenetic location: 17q25.3.
Variant type: single nucleotide variant.
Coding change: c.637G>A on transcript NM_006907.4 (MANE Select); coding-DNA position 637, G replaced by A.
Protein change: p.Ala213Thr; replaces alanine 213 with threonine.
Molecular consequence: missense variant. On other transcripts: intron variant (1).
Genome position (GRCh38, 1-based): chr17:81,934,486, C>T on the plus strand (G>A on the coding strand, the complement: PYCR1 is on the minus strand). VCF-style: chr17-81934486-C-T. GRCh37 (hg19) VCF-style: chr17-79892362-C-T.
Other names: c.544G>A, p.Ala182Thr (NM_001282279.2); c.637G>A, p.Ala213Thr (NM_001282280.2, NM_153824.3); c.718G>A, p.Ala240Thr (NM_001282281.2); c.633+167G>A (NM_001330523.2); short protein forms A213T, A182T, A240T.
Identifiers: ClinVar variation 426550 (VCV000426550.2), dbSNP rs1085307679, ClinGen allele CA401537265.